The following is an entry in ClinVar:

ClinVar aggregate classification (germline): Uncertain significance (0 of 4 stars; one submission).

Conditions:
CD3E-related disorder. Also called: CD3E-related condition.

gnomAD v4.1: 9 of 1,613,316 alleles (0.00056%); highest among the groups gnomAD compares: Non-Finnish European, 0.00076%; no homozygotes.

Submission:

PreventionGenetics, part of Exact Sciences
Classification: Uncertain significance for CD3E-related condition. Last evaluated: 2024-09-23. Review status: no assertion criteria provided. Collection method: clinical testing. Allele origin: germline.
Comment: The CD3E c.577A>G variant is predicted to result in the amino acid substitution p.Lys193Glu. To our knowledge, this variant has not been reported in the literature. This variant is reported in 0.00089% of alleles in individuals of European (Non-Finnish) descent in gnomAD. At this time, the clinical significance of this variant is uncertain due to the absence of conclusive functional and genetic evidence.

NM_000733.4(CD3E):c.577A>G (p.Lys193Glu)

Gene: CD3E (CD3 epsilon subunit of T-cell receptor complex; plus strand). Cytogenetic location: 11q23.3.
Variant type: single nucleotide variant.
Coding change: c.577A>G on transcript NM_000733.4 (MANE Select); coding-DNA position 577, A replaced by G.
Protein change: p.Lys193Glu; replaces lysine 193 with glutamic acid.
Molecular consequence: missense variant.
Genome position (GRCh38, 1-based): chr11:118,315,495, A>G. VCF-style: chr11-118315495-A-G. GRCh37 (hg19) VCF-style: chr11-118186210-A-G.
Other names: short protein forms K193E.
Identifiers: ClinVar variation 3355378 (VCV003355378.1).
Genomic context (GRCh38, chr11:118,315,495, plus strand): 5'-GAGGTACTTCCTCCCGCACCACTGACCGCCCCCTCTCTATTTCACCCCCAGCCCATCCGG[A>G]AAGGCCAGCGGGACCTGTATTCTGGCCTGAATCAGAGACGCATCTGACCCTCTGGAGAAC-3'
Protein context (NP_000724.1, residues 183-203): VPNPDYEPIR[Lys193Glu]GQRDLYSGLN